The following is an entry in ClinVar:

NM_012472.6(DNAAF11):c.691G>C (p.Asp231His)

Gene: DNAAF11 (dynein axonemal assembly factor 11; minus strand). Cytogenetic location: 8q24.22.
Variant type: single nucleotide variant.
Coding change: c.691G>C on transcript NM_012472.6 (MANE Select); coding-DNA position 691, G replaced by C.
Protein change: p.Asp231His; replaces aspartic acid 231 with histidine.
Molecular consequence: missense variant. On other transcripts: non-coding transcript variant (10).
Genome position (GRCh38, 1-based): chr8:132,625,417, C>G on the plus strand (G>C on the coding strand, the complement: DNAAF11 is on the minus strand). VCF-style: chr8-132625417-C-G. GRCh37 (hg19) VCF-style: chr8-133637663-C-G.
Other names: c.691G>C, p.Asp231His (NM_001321961.2); c.445G>C, p.Asp149His (NM_001321962.2); c.331G>C, p.Asp111His (NM_001321963.2, NM_001321964.2, NM_001321965.2 and 1 more transcripts); short protein forms D111H, D149H, D231H.
Identifiers: ClinVar variation 1681039 (VCV001681039.3), dbSNP rs763823977, ClinGen allele CA4881320.

ClinVar aggregate classification (germline): Uncertain significance (1 of 4 stars; one submission).

Conditions:
Primary ciliary dyskinesia 19. Also called: CILIARY DYSKINESIA, PRIMARY, 19, WITH OR WITHOUT SITUS INVERSUS. Identifiers: Orphanet 244, MedGen C3543826, MONDO:0013979, OMIM 614935.

Allele frequency attached by ClinVar (database versions not stated): gnomAD 0.00001; ExAC 0.00002; gnomAD exomes 0.00002 and 0.00005.
gnomAD v4.1: 72 of 1,612,260 alleles (0.0045%); highest among the groups gnomAD compares: Non-Finnish European, 0.0059%; no homozygotes.

Submission:

Labcorp Genetics (formerly Invitae), Labcorp
Classification: Uncertain significance for Primary ciliary dyskinesia 19. Last evaluated: 2021-11-22. Review status: criteria provided, single submitter. Criteria: Invitae Variant Classification Sherloc (09022015). Collection method: clinical testing. Allele origin: germline.
Comment: This sequence change replaces aspartic acid, which is acidic and polar, with histidine, which is basic and polar, at codon 231 of the LRRC6 protein (p.Asp231His). This variant is present in population databases (rs763823977, gnomAD 0.003%). This variant has not been reported in the literature in individuals affected with LRRC6-related conditions. Algorithms developed to predict the effect of missense changes on protein structure and function (SIFT, PolyPhen-2, Align-GVGD) all suggest that this variant is likely to be tolerated. In summary, the available evidence is currently insufficient to determine the role of this variant in disease. Therefore, it has been classified as a Variant of Uncertain Significance.